The following is an entry in ClinVar:

NM_001378454.1(ALMS1):c.4199A>G (p.His1400Arg)

Gene: ALMS1 (ALMS1 centrosome and basal body associated protein; plus strand). Cytogenetic location: 2p13.1.
Variant type: single nucleotide variant.
Coding change: c.4199A>G on transcript NM_001378454.1 (MANE Select); coding-DNA position 4199, A replaced by G.
Protein change: p.His1400Arg; replaces histidine 1400 with arginine.
Molecular consequence: missense variant.
Genome position (GRCh38, 1-based): chr2:73,450,726, A>G. VCF-style: chr2-73450726-A-G. GRCh37 (hg19) VCF-style: chr2-73677853-A-G.
Other names: c.4202A>G, p.His1401Arg (NM_015120.4); short protein forms H1401R, H1400R.
Identifiers: ClinVar variation 1411181 (VCV001411181.7), dbSNP rs371101065, ClinGen allele CA1713657.

ClinVar aggregate classification (germline): Conflicting classifications of pathogenicity. Review status: criteria provided, conflicting classifications (1 of 4 stars). 3 submissions from 3 submitters: Uncertain significance (2); Likely benign (1). Last evaluated 2025-02-28.

Conditions:
Alstrom syndrome (ALMS). Identifiers: Orphanet 64, MedGen C0268425, MONDO:0008763, OMIM 203800.
Cardiovascular phenotype. Identifiers: MedGen CN230736.

Allele frequency attached by ClinVar (database versions not stated): ExAC 0.00001; gnomAD exomes 0.00004; TOPMed 0.00006; ESP Exome Variant Server 0.00008; gnomAD 0.00008 and 0.00009.
gnomAD v4.1: 70 of 1,613,062 alleles (0.0043%); highest among the groups gnomAD compares: African/African-American, 0.008%; no homozygotes.

Submissions (3):

Ambry Genetics
Classification: Likely benign for Cardiovascular phenotype. Last evaluated: 2025-02-28. Review status: criteria provided, single submitter. Criteria: Ambry Variant Classification Scheme 2023. Collection method: clinical testing. Allele origin: germline.

Fulgent Genetics
Classification: Uncertain significance for Alstrom syndrome. Last evaluated: 2022-04-24. Review status: criteria provided, single submitter. Criteria: ACMG Guidelines, 2015. Collection method: clinical testing. Allele origin: unknown.

Labcorp Genetics (formerly Invitae), Labcorp
Classification: Uncertain significance for Alstrom syndrome. Last evaluated: 2022-03-12. Review status: criteria provided, single submitter. Criteria: Invitae Variant Classification Sherloc (09022015). Collection method: clinical testing. Allele origin: germline.
Comment: This sequence change replaces histidine, which is basic and polar, with arginine, which is basic and polar, at codon 1401 of the ALMS1 protein (p.His1401Arg). This variant is present in population databases (rs371101065, gnomAD 0.008%). This variant has not been reported in the literature in individuals affected with ALMS1-related conditions. Algorithms developed to predict the effect of sequence changes on RNA splicing suggest that this variant is not likely to affect RNA splicing. In summary, the available evidence is currently insufficient to determine the role of this variant in disease. Therefore, it has been classified as a Variant of Uncertain Significance.